The following is an entry in ClinVar:

NM_006514.4(SCN10A):c.3445G>A (p.Val1149Met)

Genes: SCN10A (sodium voltage-gated channel alpha subunit 10; minus strand), LOC110121288 (VISTA enhancer hs2268; plus strand). Cytogenetic location: 3p22.2.
Variant type: single nucleotide variant.
Coding change: c.3445G>A on transcript NM_006514.4 (MANE Select); coding-DNA position 3445, G replaced by A.
Protein change: p.Val1149Met; replaces valine 1149 with methionine.
Molecular consequence: missense variant.
Genome position (GRCh38, 1-based): chr3:38,722,320, C>T on the plus strand (G>A on the coding strand, the complement: SCN10A is on the minus strand). VCF-style: chr3-38722320-C-T. GRCh37 (hg19) VCF-style: chr3-38763811-C-T.
Other names: c.3445G>A (NM_006514.2); c.3442G>A, p.Val1148Met (NM_001293306.2); c.3151G>A, p.Val1051Met (NM_001293307.2); short protein forms V1149M, V1051M, V1148M.
Identifiers: ClinVar variation 839773 (VCV000839773.14), dbSNP rs560631745, ClinGen allele CA2320231.
Genomic context (GRCh38, chr3:38,722,320, plus strand): 5'-GAGATCCACTGCTGAGCAGGATCATGAAGATGATGAAGCTCTCAAACCAGCTGTGCTCCA[C>T]GATACGGTAGCAAGTCTTGCGCACCTGCCAGCCCACATCCCATGGACTCTTGGTGGTATC-3'
Protein context (NP_006505.4, residues 1139-1159): WQVRKTCYRI[Val1149Met]EHSWFESFII

ClinVar aggregate classification (germline): Conflicting classifications of pathogenicity. Review status: criteria provided, conflicting classifications (1 of 4 stars). 4 submissions from 4 submitters: Uncertain significance (2); Likely benign (2). Last evaluated 2026-01-14.

Conditions:
Cardiovascular phenotype. Identifiers: MedGen CN230736.
Brugada syndrome. Also called: Sudden unexplained nocturnal death syndrome; Sudden Unexplained Death Syndrome; Sudden Unexplained Nocturnal Death Syndrome (SUNDS); Sudden unexpected nocturnal death syndrome. Identifiers: Orphanet 130, MedGen C1142166, MONDO:0015263.

Allele frequency attached by ClinVar (database versions not stated): gnomAD exomes 0.00010 and 0.00011; 1000 Genomes Project 30x 0.00016; TOPMed 0.00019; 1000 Genomes Project 0.00020; ExAC 0.00007; gnomAD 0.00007 and 0.00009.
gnomAD v4.1: 161 of 1,614,088 alleles (0.01%); highest among the groups gnomAD compares: Admixed American, 0.035%; no homozygotes.

Submissions (4):

Labcorp Genetics (formerly Invitae), Labcorp
Classification: Uncertain significance for Brugada syndrome. Last evaluated: 2026-01-14. Review status: criteria provided, single submitter. Criteria: Invitae Variant Classification Sherloc (09022015). Collection method: clinical testing. Allele origin: germline.
Comment: This sequence change replaces valine, which is neutral and non-polar, with methionine, which is neutral and non-polar, at codon 1149 of the SCN10A protein (p.Val1149Met). This variant is present in population databases (rs560631745, gnomAD 0.03%). This missense change has been observed in individual(s) with sensory neuropathy (PMID: 36895957). ClinVar contains an entry for this variant (Variation ID: 839773). Invitae Evidence Modeling of protein sequence and biophysical properties (such as structural, functional, and spatial information, amino acid conservation, physicochemical variation, residue mobility, and thermodynamic stability) indicates that this missense variant is expected to disrupt SCN10A protein function with a positive predictive value of 80%. In summary, the available evidence is currently insufficient to determine the role of this variant in disease. Therefore, it has been classified as a Variant of Uncertain Significance.

GeneDx
Classification: Uncertain significance. Last evaluated: 2025-10-09. Review status: criteria provided, single submitter. Criteria: GeneDx Variant Classification Process June 2021. Collection method: clinical testing. Allele origin: germline. Affected: yes.
Comment: In silico analysis supports that this missense variant has a deleterious effect on protein structure/function; This variant is associated with the following publications: (PMID: Nettuwakulc2022[Article], 36895957, 29992996)

Women's Health and Genetics/Laboratory Corporation of America, LabCorp
Classification: Likely benign. Last evaluated: 2024-03-13. Review status: criteria provided, single submitter. Criteria: LabCorp Variant Classification Summary - May 2015. Collection method: clinical testing. Allele origin: germline.
Comment: Variant summary: SCN10A c.3445G>A (p.Val1149Met) results in a conservative amino acid change in the encoded protein sequence. Four of five in-silico tools predict a damaging effect of the variant on protein function. The variant allele was found at a frequency of 0.00011 in 251432 control chromosomes (gnomAD). The observed variant frequency is approximately 17-fold of the estimated maximal expected allele frequency for a pathogenic variant in SCN10A causing Arrhythmia phenotype (6.3e-06), strongly suggesting that the variant is benign. To our knowledge, no occurrence of c.3445G>A in individuals affected with Arrhythmia and no experimental evidence demonstrating its impact on protein function have been reported. ClinVar contains an entry for this variant (Variation ID: 839773). Based on the evidence outlined above, the variant was classified as likely benign.

Ambry Genetics
Classification: Likely benign for Cardiovascular phenotype. Last evaluated: 2020-01-30. Review status: criteria provided, single submitter. Criteria: Ambry Variant Classification Scheme 2023. Collection method: clinical testing. Allele origin: germline.

Literature cited by the submitters: PubMed 36895957 (cited by Labcorp Genetics (formerly Invitae), Labcorp); PubMed 29992996 (cited by Women's Health and Genetics/Laboratory Corporation of America, LabCorp).